The following is an entry in ClinVar:

ClinVar aggregate classification (germline): Uncertain significance (1 of 4 stars; one submission).

gnomAD v4.1: 1 of 1,614,106 alleles (0.000062%); highest among the groups gnomAD compares: South Asian, 0.0011%; no homozygotes.

Submission:

CeGaT Center for Human Genetics Tuebingen
Classification: Uncertain significance. Last evaluated: 2025-04-01. Review status: criteria provided, single submitter. Criteria: CeGaT Center For Human Genetics Tuebingen Variant Classification Criteria Version 2. Collection method: clinical testing. Allele origin: germline. Affected: yes. Observed: 1 variant allele.
Comment: DMXL2: PM2, PS2:Supporting

NM_001378457.1(DMXL2):c.2177T>C (p.Ile726Thr)

Gene: DMXL2 (Dmx like 2; minus strand). Cytogenetic location: 15q21.2.
Variant type: single nucleotide variant.
Coding change: c.2177T>C on transcript NM_001378457.1 (MANE Select); coding-DNA position 2177, T replaced by C.
Protein change: p.Ile726Thr; replaces isoleucine 726 with threonine.
Molecular consequence: missense variant. On other transcripts: non-coding transcript variant (2).
Genome position (GRCh38, 1-based): chr15:51,536,303, A>G on the plus strand (T>C on the coding strand, the complement: DMXL2 is on the minus strand). VCF-style: chr15-51536303-A-G. GRCh37 (hg19) VCF-style: chr15-51828500-A-G.
Other names: c.2177T>C, p.Ile726Thr (NM_001378463.1, NM_015263.5, NM_001174116.3 and 6 more transcripts); c.1937T>C, p.Ile646Thr (NM_001378464.1); short protein forms I646T, I726T.
Identifiers: ClinVar variation 3898354 (VCV003898354.7).